The following is an entry in ClinVar:

NM_004145.4(MYO9B):c.5622C>T (p.Thr1874=)

Gene: MYO9B (myosin IXB; plus strand). Cytogenetic location: 19p13.11.
Variant type: single nucleotide variant.
Coding change: c.5622C>T on transcript NM_004145.4 (MANE Select); coding-DNA position 5622, C replaced by T.
Protein change: p.Thr1874=; no amino-acid change (threonine 1874 retained).
Molecular consequence: synonymous variant.
Genome position (GRCh38, 1-based): chr19:17,207,242, C>T. VCF-style: chr19-17207242-C-T. GRCh37 (hg19) VCF-style: chr19-17318051-C-T.
Other names: c.5622C>T, p.Thr1874= (NM_001130065.2).
Identifiers: ClinVar variation 3043729 (VCV003043729.2), dbSNP rs1348780360, ClinGen allele CA505962459.

ClinVar aggregate classification (germline): Likely benign (0 of 4 stars; one submission).

Conditions:
MYO9B-related disorder. Also called: MYO9B-related condition.

Allele frequency attached by ClinVar (database versions not stated): TOPMed below 0.00001; gnomAD exomes 0.00002.
gnomAD v4.1: 29 of 1,594,098 alleles (0.0018%); highest among the groups gnomAD compares: Middle Eastern, 0.017%; no homozygotes.

Submission:

PreventionGenetics, part of Exact Sciences
Classification: Likely benign for MYO9B-related condition. Last evaluated: 2019-06-06. Review status: no assertion criteria provided. Collection method: clinical testing. Allele origin: germline.
Comment: This variant is classified as likely benign based on ACMG/AMP sequence variant interpretation guidelines (Richards et al. 2015 PMID: 25741868, with internal and published modifications).